The following is an entry in ClinVar:

NM_000124.4(ERCC6):c.1662C>T (p.Ile554=)

Gene: ERCC6 (ERCC excision repair 6, chromatin remodeling factor; minus strand). Cytogenetic location: 10q11.23.
Variant type: single nucleotide variant.
Coding change: c.1662C>T on transcript NM_000124.4 (MANE Select); coding-DNA position 1662, C replaced by T.
Protein change: p.Ile554=; no amino-acid change (isoleucine 554 retained).
Molecular consequence: synonymous variant.
Genome position (GRCh38, 1-based): chr10:49,500,561, G>A on the plus strand (C>T on the coding strand, the complement: ERCC6 is on the minus strand). VCF-style: chr10-49500561-G-A. GRCh37 (hg19) VCF-style: chr10-50708607-G-A.
Other names: c.1662C>T (NM_000124.2); c.1662C>T, p.Ile554= (NM_001346440.2).
Identifiers: ClinVar variation 1123816 (VCV001123816.10), dbSNP rs746372685, ClinGen allele CA5495913.
Genomic context (GRCh38, chr10:49,500,561, plus strand): 5'-AGCTCCACAGACTGACAGTCTGCAGAGGAGCACTTGCCTGTAATTTGAACCACGAGTCCT[G>A]ATCTTGCTGTAGCTCAGACCTGCCAAGAAGGCAATTATCTGGATGGTCTTGCCCAATCCC-3'
Protein context (NP_000115.1, residues 544-564): AFLAGLSYSK[Ile554=]RTRGSNYRFE

ClinVar aggregate classification (germline): Conflicting classifications of pathogenicity. Review status: criteria provided, conflicting classifications (1 of 4 stars). 2 submissions from 2 submitters: Uncertain significance (1); Likely benign (1). Last evaluated 2023-12-21.

Allele frequency attached by ClinVar (database versions not stated): gnomAD exomes below 0.00001; ExAC 0.00001; gnomAD 0.00003 and 0.00004; TOPMed 0.00006.
gnomAD v4.1: 11 of 1,613,802 alleles (0.00068%); highest among the groups gnomAD compares: African/African-American, 0.015%; no homozygotes.

Submissions (2):

Labcorp Genetics (formerly Invitae), Labcorp
Classification: Likely benign. Last evaluated: 2023-12-21. Review status: criteria provided, single submitter. Criteria: Invitae Variant Classification Sherloc (09022015). Collection method: clinical testing. Allele origin: germline.

GeneDx
Classification: Uncertain significance. Last evaluated: 2023-06-26. Review status: criteria provided, single submitter. Criteria: GeneDx Variant Classification Process June 2021. Collection method: clinical testing. Allele origin: germline. Affected: yes.
Comment: Not observed at significant frequency in large population cohorts (gnomAD); In silico analysis supports that this variant does not alter splicing; Has not been previously published as pathogenic or benign to our knowledge